The following is an entry in ClinVar:

ClinVar aggregate classification (germline): Likely pathogenic (1 of 4 stars; one submission).

Conditions:
Familial cancer of breast. Also called: Hereditary breast cancer; hereditary breast carcinoma; BREAST CANCER, FAMILIAL. Identifiers: Orphanet 227535, MedGen C0346153, MONDO:0016419, OMIM 114480. Disease mechanism: loss of function.

Submission:

Labcorp Genetics (formerly Invitae), Labcorp
Classification: Likely pathogenic for Familial cancer of breast. Last evaluated: 2022-09-07. Review status: criteria provided, single submitter. Criteria: Invitae Variant Classification Sherloc (09022015). Collection method: clinical testing. Allele origin: germline.
Comment: This variant is a gross deletion of the genomic region encompassing exon(s) 7 of the CHEK2 gene. This variant would be expected to be in-frame, preserving the integrity of the reading frame. A similar copy number variant has been observed in individual(s) with breast cancer (PMID: 29785007). This variant is also known as deletion of exon 6. Algorithms developed to predict the effect of variants on protein structure and function are not available or were not evaluated for this variant. Experimental studies have shown that a similar copy number variant affects CHEK2 function (PMID: 29785007). In summary, the currently available evidence indicates that the variant is pathogenic, but additional data are needed to prove that conclusively. Therefore, this variant has been classified as Likely Pathogenic.

Literature cited by the submitters: PubMed 29785007.

NC_000022.11:g.(?_28709996)_(28710069_?)del

Gene: CHEK2 (checkpoint kinase 2; minus strand). Cytogenetic location: 22q12.1.
Variant type: Deletion.
Identifiers: ClinVar variation 659605 (VCV000659605.7).